The following is an entry in ClinVar:

NM_012431.3(SEMA3E):c.1486A>G (p.Ile496Val)

Gene: SEMA3E (semaphorin 3E; minus strand). Cytogenetic location: 7q21.11.
Variant type: single nucleotide variant.
Coding change: c.1486A>G on transcript NM_012431.3 (MANE Select); coding-DNA position 1486, A replaced by G.
Protein change: p.Ile496Val; replaces isoleucine 496 with valine.
Molecular consequence: missense variant.
Genome position (GRCh38, 1-based): chr7:83,394,311, T>C on the plus strand (A>G on the coding strand, the complement: SEMA3E is on the minus strand). VCF-style: chr7-83394311-T-C. GRCh37 (hg19) VCF-style: chr7-83023627-T-C.
Other names: c.1306A>G, p.Ile436Val (NM_001178129.2); short protein forms I436V, I496V.
Identifiers: ClinVar variation 4983367 (VCV004983367.1).

ClinVar aggregate classification (germline): Uncertain significance (1 of 4 stars; one submission).

Conditions:
SEMA3E-related disorder. Also called: SEMA3E-related condition.

Submission:

PreventionGenetics, part of Exact Sciences
Classification: Uncertain significance for SEMA3E-related condition. Last evaluated: 2026-07-28. Review status: criteria provided, single submitter. Criteria: ACMG Guidelines, 2015. Collection method: clinical testing. Allele origin: germline.
Comment: The SEMA3E c.1486A>G variant is predicted to result in the amino acid substitution p.Ile496Val. To our knowledge, this variant has not been reported in the literature or in a large population database (gnomAD), indicating this variant is rare. At this time, the clinical significance of this variant is uncertain due to the absence of conclusive functional and genetic evidence.